The following is an entry in ClinVar:

ClinVar aggregate classification (germline): Pathogenic (1 of 4 stars; one submission).

gnomAD v4.1: 1 of 1,595,880 alleles (0.000063%); highest among the groups gnomAD compares: Non-Finnish European, 0.000085%; no homozygotes.

Submission:

GeneDx
Classification: Pathogenic. Last evaluated: 2023-07-28. Review status: criteria provided, single submitter. Criteria: GeneDx Variant Classification Process June 2021. Collection method: clinical testing. Allele origin: germline. Affected: yes.
Comment: Nonsense variant predicted to result in protein truncation or nonsense mediated decay in a gene for which loss of function is a known mechanism of disease; Not observed at significant frequency in large population cohorts (gnomAD); This variant is associated with the following publications: (PMID: 30420557)

NM_001330701.2(AGTPBP1):c.988C>T (p.Arg330Ter)

Gene: AGTPBP1 (ATP/GTP binding carboxypeptidase 1; minus strand). Cytogenetic location: 9q21.33.
Variant type: single nucleotide variant.
Coding change: c.988C>T on transcript NM_001330701.2 (MANE Select); coding-DNA position 988, C replaced by T.
Protein change: p.Arg330Ter; replaces arginine 330 with a stop codon.
Molecular consequence: nonsense. On other transcripts: intron variant (2).
Genome position (GRCh38, 1-based): chr9:85,655,242, G>A on the plus strand (C>T on the coding strand, the complement: AGTPBP1 is on the minus strand). VCF-style: chr9-85655242-G-A. GRCh37 (hg19) VCF-style: chr9-88270157-G-A.
Other names: c.1144C>T, p.Arg382Ter (NM_001286715.1); c.1066-42C>T (NM_001286717.1); c.910-42C>T (NM_015239.3); short protein forms R330*, R382*.
Identifiers: ClinVar variation 3340642 (VCV003340642.1).